The following is an entry in ClinVar:

ClinVar aggregate classification (germline): Uncertain significance. Review status: criteria provided, multiple submitters, no conflicts (2 of 4 stars). 3 submissions from 3 submitters: Uncertain significance (3). Last evaluated 2024-11-11.

Conditions:
Inborn genetic diseases. Identifiers: MedGen C0950123, MeSH D030342.

Allele frequency attached by ClinVar (database versions not stated): gnomAD exomes 0.00002; ExAC 0.00004; gnomAD 0.00004; ESP Exome Variant Server 0.00008; 1000 Genomes Project 30x 0.00016.
gnomAD v4.1: 29 of 1,613,842 alleles (0.0018%); highest among the groups gnomAD compares: African/African-American, 0.0027%; no homozygotes.

Submissions (3):

Ambry Genetics
Classification: Uncertain significance for Inborn genetic diseases. Last evaluated: 2024-11-11. Review status: criteria provided, single submitter. Criteria: Ambry Variant Classification Scheme 2023. Collection method: clinical testing. Allele origin: germline.

GeneDx
Classification: Uncertain significance. Last evaluated: 2024-10-10. Review status: criteria provided, single submitter. Criteria: GeneDx Variant Classification Process June 2021. Collection method: clinical testing. Allele origin: germline. Affected: yes.
Comment: Not observed at significant frequency in large population cohorts (gnomAD); In silico analysis indicates that this missense variant does not alter protein structure/function; Has not been previously published as pathogenic or benign to our knowledge

Labcorp Genetics (formerly Invitae), Labcorp
Classification: Uncertain significance. Last evaluated: 2023-07-17. Review status: criteria provided, single submitter. Criteria: Invitae Variant Classification Sherloc (09022015). Collection method: clinical testing. Allele origin: germline.
Comment: This sequence change replaces valine, which is neutral and non-polar, with isoleucine, which is neutral and non-polar, at codon 623 of the LARS2 protein (p.Val623Ile). This variant is present in population databases (rs374061060, gnomAD 0.007%). This variant has not been reported in the literature in individuals affected with LARS2-related conditions. ClinVar contains an entry for this variant (Variation ID: 2414849). Algorithms developed to predict the effect of missense changes on protein structure and function output the following: SIFT: "Not Available"; PolyPhen-2: "Benign"; Align-GVGD: "Not Available". The isoleucine amino acid residue is found in multiple mammalian species, which suggests that this missense change does not adversely affect protein function. In summary, the available evidence is currently insufficient to determine the role of this variant in disease. Therefore, it has been classified as a Variant of Uncertain Significance.

NM_015340.4(LARS2):c.1867G>A (p.Val623Ile)

Gene: LARS2 (leucyl-tRNA synthetase 2, mitochondrial; plus strand). Cytogenetic location: 3p21.31.
Variant type: single nucleotide variant.
Coding change: c.1867G>A on transcript NM_015340.4 (MANE Select); coding-DNA position 1867, G replaced by A.
Protein change: p.Val623Ile; replaces valine 623 with isoleucine.
Molecular consequence: missense variant.
Genome position (GRCh38, 1-based): chr3:45,516,099, G>A. VCF-style: chr3-45516099-G-A. GRCh37 (hg19) VCF-style: chr3-45557591-G-A.
Other names: c.1867G>A, p.Val623Ile (NM_001368263.1); c.1867G>A (NM_015340.3); short protein forms V623I.
Identifiers: ClinVar variation 2414849 (VCV002414849.6), dbSNP rs374061060, ClinGen allele CA2349719.
Genomic context (GRCh38, chr3:45,516,099, plus strand): 5'-ATAGAAGCAATTCACAATGACACATACCATACCTATGGATTATTTTGGCATCTAGGTTCC[G>A]TTCCTGTTCATGCAAAAACGAAAGAGAAGTTAGAGGTGACGTGGGAGAAGATGAGTAAGT-3'
Protein context (NP_056155.1, residues 613-633): QREEVDLTGS[Val623Ile]PVHAKTKEKL